The following is an entry in ClinVar:

ClinVar aggregate classification (germline): Pathogenic. Review status: criteria provided, multiple submitters, no conflicts (2 of 4 stars). 2 submissions from 2 submitters: Pathogenic (2). Last evaluated 2022-10-11.

Conditions:
Hereditary cancer-predisposing syndrome. Also called: Neoplastic Syndromes, Hereditary; Hereditary Cancer Syndrome; Hereditary neoplastic syndrome; Tumor predisposition. Identifiers: Orphanet 140162, MedGen C0027672, MeSH D009386, MONDO:0015356.
DICER1-related tumor predisposition. Also called: DICER1-related pleuropulmonary blastoma cancer predisposition syndrome; DICER1 syndrome. Identifiers: Orphanet 284343, MedGen C3839822, MONDO:0100216.

Submissions (2):

Labcorp Genetics (formerly Invitae), Labcorp
Classification: Pathogenic for DICER1-related tumor predisposition. Last evaluated: 2022-10-11. Review status: criteria provided, single submitter. Criteria: Invitae Variant Classification Sherloc (09022015). Collection method: clinical testing. Allele origin: germline.
Comment: For these reasons, this variant has been classified as Pathogenic. ClinVar contains an entry for this variant (Variation ID: 824338). This variant has not been reported in the literature in individuals affected with DICER1-related conditions. This variant is not present in population databases (gnomAD no frequency). This sequence change creates a premature translational stop signal (p.Ile1297Phefs*4) in the DICER1 gene. It is expected to result in an absent or disrupted protein product. Loss-of-function variants in DICER1 are known to be pathogenic (PMID: 19556464, 21266384).

Ambry Genetics
Classification: Pathogenic for Hereditary cancer-predisposing syndrome. Last evaluated: 2018-11-21. Review status: criteria provided, single submitter. Criteria: Ambry Variant Classification Scheme 2023. Collection method: clinical testing. Allele origin: germline.
Comment: The c.3888_3891delTATT pathogenic mutation, located in coding exon 20 of the DICER1 gene, results from a deletion of 4 nucleotides at nucleotide positions 3888 to 3891, causing a translational frameshift with a predicted alternate stop codon (p.I1297Ffs*4). This alteration is expected to result in loss of function by premature protein truncation or nonsense-mediated mRNA decay. As such, this alteration is interpreted as a disease-causing mutation.

Literature cited by the submitters: PubMed 19556464 (cited by Labcorp Genetics (formerly Invitae), Labcorp); PubMed 21266384 (cited by Labcorp Genetics (formerly Invitae), Labcorp).

NM_177438.3(DICER1):c.3888_3891del (p.Ile1297fs)

Gene: DICER1 (dicer 1, ribonuclease III; minus strand). Cytogenetic location: 14q32.13.
Variant type: Deletion.
Coding change: c.3888_3891del on transcript NM_177438.3 (MANE Select); coding-DNA positions 3888 to 3891, 4 bases deleted (TATT; older notation c.3888_3891delTATT).
Protein change: p.Ile1297fs; shifts the reading frame from isoleucine 1297.
Molecular consequence: frameshift variant.
Genome position (GRCh38, 1-based): chr14:95,103,505-95,103,508, AATA deleted on the plus strand (TATT on the coding strand, the reverse complement: DICER1 is on the minus strand); deleting any 4 consecutive bases within chr14:95,103,505-95,103,509 gives the same sequence; the c. name uses the placement nearest the transcript's 3' end. VCF-style (leftmost placement, unchanged base first): chr14-95103504-GAATA-G. GRCh37 (hg19) VCF-style: chr14-95569841-GAATA-G.
Other names: c.3888_3891del, p.Ile1297fs (NM_001195573.1, NM_001271282.3, NM_001291628.2 and 1 more transcripts); short protein forms I1297fs.
Identifiers: ClinVar variation 824338 (VCV000824338.9), dbSNP rs1595364250, ClinGen allele CA915946370.